The following is an entry in ClinVar:

NM_001145809.2(MYH14):c.4354C>T (p.Arg1452Trp)

Gene: MYH14 (myosin heavy chain 14; plus strand). Cytogenetic location: 19q13.33.
Variant type: single nucleotide variant.
Coding change: c.4354C>T on transcript NM_001145809.2 (MANE Select); coding-DNA position 4354, C replaced by T.
Protein change: p.Arg1452Trp; replaces arginine 1452 with tryptophan.
Molecular consequence: missense variant.
Genome position (GRCh38, 1-based): chr19:50,281,657, C>T. VCF-style: chr19-50281657-C-T. GRCh37 (hg19) VCF-style: chr19-50784914-C-T.
Other names: c.4354C>T (NM_001145809.1); c.4255C>T, p.Arg1419Trp (NM_001077186.2); c.4231C>T, p.Arg1411Trp (NM_024729.4); short protein forms R1411W, R1419W, R1452W.
Identifiers: ClinVar variation 1311633 (VCV001311633.6), dbSNP rs777626365, ClinGen allele CA9593490.
Genomic context (GRCh38, chr19:50,281,657, plus strand): 5'-TCCGAGTGGCGGCGGCGCCAGGAGGAGGAGGCAGGGGCACTGGAGGCAGGGGAGGAGGCA[C>T]GGCGCCGGGCAGCCCGGGAGGCCGAGGCCCTGACCCAGCGCCTGGCAGAAAAGACAGAGA-3'
Protein context (NP_001139281.1, residues 1442-1462): AGALEAGEEA[Arg1452Trp]RRAAREAEAL

ClinVar aggregate classification (germline): Uncertain significance. Review status: criteria provided, multiple submitters, no conflicts (2 of 4 stars). 3 submissions from 3 submitters: Uncertain significance (3). Last evaluated 2026-04-01.

Conditions:
MYH14-related disorder. Also called: MYH14-related condition.

Allele frequency attached by ClinVar (database versions not stated): gnomAD exomes below 0.00001; ExAC 0.00001; gnomAD 0.00002 and 0.00003; TOPMed 0.00002.
gnomAD v4.1: 13 of 1,607,666 alleles (0.00081%); highest among the groups gnomAD compares: Admixed American, 0.0084%; no homozygotes.

Submissions (3):

PreventionGenetics, part of Exact Sciences
Classification: Uncertain significance for MYH14-related condition. Last evaluated: 2026-04-01. Review status: criteria provided, single submitter. Criteria: ACMG Guidelines, 2015. Collection method: clinical testing. Allele origin: germline.
Comment: The MYH14 c.4354C>T variant is predicted to result in the amino acid substitution p.Arg1452Trp. To our knowledge, this variant has not been reported in the literature. This variant is reported in 0.0030% of alleles in individuals of Latino descent in gnomAD. At this time, the clinical significance of this variant is uncertain due to the absence of conclusive functional and genetic evidence.

Labcorp Genetics (formerly Invitae), Labcorp
Classification: Uncertain significance. Last evaluated: 2025-02-10. Review status: criteria provided, single submitter. Criteria: Invitae Variant Classification Sherloc (09022015). Collection method: clinical testing. Allele origin: germline.
Comment: This sequence change replaces arginine, which is basic and polar, with tryptophan, which is neutral and slightly polar, at codon 1411 of the MYH14 protein (p.Arg1411Trp). This variant is present in population databases (rs777626365, gnomAD 0.009%). This variant has not been reported in the literature in individuals affected with MYH14-related conditions. ClinVar contains an entry for this variant (Variation ID: 1311633). Invitae Evidence Modeling of protein sequence and biophysical properties (such as structural, functional, and spatial information, amino acid conservation, physicochemical variation, residue mobility, and thermodynamic stability) indicates that this missense variant is expected to disrupt MYH14 protein function with a positive predictive value of 80%. In summary, the available evidence is currently insufficient to determine the role of this variant in disease. Therefore, it has been classified as a Variant of Uncertain Significance.

GeneDx
Classification: Uncertain significance. Last evaluated: 2020-01-03. Review status: criteria provided, single submitter. Criteria: GeneDx Variant Classification Process June 2021. Collection method: clinical testing. Allele origin: germline. Affected: yes.
Comment: Not observed at a significant frequency in large population cohorts (Lek et al., 2016); In silico analysis, which includes protein predictors and evolutionary conservation, supports a deleterious effect; Has not been previously published as pathogenic or benign to our knowledge